The following is an entry in ClinVar:

ClinVar aggregate classification (germline): Uncertain significance (1 of 4 stars; one submission).

Conditions:
3-Methylglutaconic aciduria type 2 (BTHS). Also called: CARDIOSKELETAL MYOPATHY WITH NEUTROPENIA AND ABNORMAL MITOCHONDRIA; Barth syndrome. Identifiers: Orphanet 111, MedGen C0574083, MONDO:0010543, OMIM 302060.

Submission:

Labcorp Genetics (formerly Invitae), Labcorp
Classification: Uncertain significance for 3-Methylglutaconic aciduria type 2. Last evaluated: 2024-01-22. Review status: criteria provided, single submitter. Criteria: Invitae Variant Classification Sherloc (09022015). Collection method: clinical testing. Allele origin: germline.
Comment: This sequence change replaces histidine, which is basic and polar, with arginine, which is basic and polar, at codon 204 of the TAZ protein (p.His204Arg). This variant is not present in population databases (gnomAD no frequency). This variant has not been reported in the literature in individuals affected with TAZ-related conditions. ClinVar contains an entry for this variant (Variation ID: 1897787). Algorithms developed to predict the effect of missense changes on protein structure and function output the following: SIFT: "Not Available"; PolyPhen-2: "Benign"; Align-GVGD: "Not Available". The arginine amino acid residue is found in multiple mammalian species, which suggests that this missense change does not adversely affect protein function. In summary, the available evidence is currently insufficient to determine the role of this variant in disease. Therefore, it has been classified as a Variant of Uncertain Significance.

NM_000116.5(TAFAZZIN):c.611A>G (p.His204Arg)

Gene: TAFAZZIN (tafazzin, phospholipid-lysophospholipid transacylase; plus strand). Cytogenetic location: Xq28.
Variant type: single nucleotide variant.
Coding change: c.611A>G on transcript NM_000116.5 (MANE Select); coding-DNA position 611, A replaced by G.
Protein change: p.His204Arg; replaces histidine 204 with arginine.
Molecular consequence: missense variant. On other transcripts: non-coding transcript variant (1).
Genome position (GRCh38, 1-based): chrX:154,420,059, A>G. VCF-style: chrX-154420059-A-G. GRCh37 (hg19) VCF-style: chrX-153648398-A-G.
Other names: c.623A>G, p.His208Arg (NM_001303465.2); c.575A>G, p.His192Arg (NM_001410698.1); c.521A>G, p.His174Arg (NM_181311.4); c.569A>G, p.His190Arg (NM_181312.4); c.479A>G, p.His160Arg (NM_181313.4); short protein forms H192R, H190R, H204R, H174R, H208R, H160R.
Identifiers: ClinVar variation 1897787 (VCV001897787.5), dbSNP rs2522990639, ClinGen allele CA415184220.